The following is an entry in ClinVar:

NM_001384140.1(PCDH15):c.423T>G (p.Asn141Lys)

Gene: PCDH15 (protocadherin related 15; minus strand). Cytogenetic location: 10q21.1.
Variant type: single nucleotide variant.
Coding change: c.423T>G on transcript NM_001384140.1 (MANE Select); coding-DNA position 423, T replaced by G.
Protein change: p.Asn141Lys; replaces asparagine 141 with lysine.
Molecular consequence: missense variant.
Genome position (GRCh38, 1-based): chr10:54,369,171, A>C on the plus strand (T>G on the coding strand, the complement: PCDH15 is on the minus strand). VCF-style: chr10-54369171-A-C. GRCh37 (hg19) VCF-style: chr10-56128931-A-C.
Other names: c.438T>G, p.Asn146Lys (NM_001142763.2, NM_001142769.4, NM_001142771.2); c.423T>G, p.Asn141Lys (NM_001142764.2, NM_001142765.2, NM_001142766.2 and 8 more transcripts); c.357T>G, p.Asn119Lys (NM_001142768.2, NM_001142773.2, NM_001354404.2); short protein forms N119K, N141K, N146K.
Identifiers: ClinVar variation 3068473 (VCV003068473.2), dbSNP rs2547832784, ClinGen allele CA376542175.

ClinVar aggregate classification (germline): Uncertain significance (1 of 4 stars; one submission).

Conditions:
Usher syndrome type 1D (USH1D). Also called: USHER SYNDROME, TYPE ID. Identifiers: Orphanet 231169, Orphanet 886, MedGen C1832845, MONDO:0010984, OMIM 601067.

Submission:

Institute of Human Genetics, University of Leipzig Medical Center
Classification: Uncertain significance for Usher syndrome type 1D. Last evaluated: 2024-03-27. Review status: criteria provided, single submitter. Criteria: ACMG Guidelines, 2015. Collection method: clinical testing. Allele origin: unknown. Affected: yes.
Comment: Criteria applied: PM2_SUP,PP4